The following is an entry in ClinVar:

NM_006648.4(WNK2):c.4516G>A (p.Ala1506Thr)

Gene: WNK2 (WNK lysine deficient protein kinase 2; plus strand). Cytogenetic location: 9q22.31.
Variant type: single nucleotide variant.
Coding change: c.4516G>A on transcript NM_006648.4 (MANE Select); coding-DNA position 4516, G replaced by A.
Protein change: p.Ala1506Thr; replaces alanine 1506 with threonine.
Molecular consequence: missense variant.
Genome position (GRCh38, 1-based): chr9:93,289,270, G>A. VCF-style: chr9-93289270-G-A. GRCh37 (hg19) VCF-style: chr9-96051552-G-A.
Other names: c.4627G>A, p.Ala1543Thr (NM_001282394.3); short protein forms A1506T, A1543T.
Identifiers: ClinVar variation 3470570 (VCV003470570.1).

ClinVar aggregate classification (germline): Uncertain significance (1 of 4 stars; one submission).

gnomAD v4.1: 8 of 1,600,122 alleles (0.0005%); highest among the groups gnomAD compares: Non-Finnish European, 0.00068%; no homozygotes.

Submission:

Ambry Genetics
Classification: Uncertain significance. Last evaluated: 2024-12-02. Review status: criteria provided, single submitter. Criteria: Ambry Variant Classification Scheme 2023. Collection method: clinical testing. Allele origin: germline.
Comment: The p.A1506T variant (also known as c.4516G>A), located in coding exon 19 of the WNK2 gene, results from a G to A substitution at nucleotide position 4516. The alanine at codon 1506 is replaced by threonine, an amino acid with similar properties. This amino acid position is conserved. In addition, this alteration is predicted to be tolerated by in silico analysis. Based on the available evidence, the clinical significance of this variant remains unclear.